The following is an entry in ClinVar:

ClinVar aggregate classification (germline): Uncertain significance (1 of 4 stars; one submission).

Conditions:
Ichthyosis linearis circumflexa. Identifiers: MedGen C0265962, MONDO:0043106, HP:0025810.

Allele frequency attached by ClinVar (database versions not stated): gnomAD below 0.00001 and 0.00001; gnomAD exomes below 0.00001; TOPMed below 0.00001.
gnomAD v4.1: 5 of 1,614,074 alleles (0.00031%); highest among the groups gnomAD compares: South Asian, 0.0011%; no homozygotes.

Submission:

Labcorp Genetics (formerly Invitae), Labcorp
Classification: Uncertain significance for Ichthyosis linearis circumflexa. Last evaluated: 2022-03-03. Review status: criteria provided, single submitter. Criteria: Invitae Variant Classification Sherloc (09022015). Collection method: clinical testing. Allele origin: germline.
Comment: In summary, the available evidence is currently insufficient to determine the role of this variant in disease. Therefore, it has been classified as a Variant of Uncertain Significance. Algorithms developed to predict the effect of missense changes on protein structure and function are either unavailable or do not agree on the potential impact of this missense change (SIFT: "Deleterious"; PolyPhen-2: "Probably Damaging"; Align-GVGD: "Class C0"). ClinVar contains an entry for this variant (Variation ID: 1011390). This variant has not been reported in the literature in individuals affected with SPINK5-related conditions. This variant is not present in population databases (gnomAD no frequency). This sequence change replaces leucine, which is neutral and non-polar, with isoleucine, which is neutral and non-polar, at codon 928 of the SPINK5 protein (p.Leu928Ile).

NM_006846.4(SPINK5):c.2782C>A (p.Leu928Ile)

Gene: SPINK5 (serine peptidase inhibitor Kazal type 5; plus strand). Cytogenetic location: 5q32.
Variant type: single nucleotide variant.
Coding change: c.2782C>A on transcript NM_006846.4 (MANE Select); coding-DNA position 2782, C replaced by A.
Protein change: p.Leu928Ile; replaces leucine 928 with isoleucine.
Molecular consequence: missense variant.
Genome position (GRCh38, 1-based): chr5:148,125,765, C>A. VCF-style: chr5-148125765-C-A. GRCh37 (hg19) VCF-style: chr5-147505328-C-A.
Other names: c.2872C>A, p.Leu958Ile (NM_001127698.2); short protein forms L928I, L958I.
Identifiers: ClinVar variation 1011390 (VCV001011390.9), dbSNP rs1338766208, ClinGen allele CA361649875.
Genomic context (GRCh38, chr5:148,125,765, plus strand): 5'-CCCTTTCTCATTTTCTAGGATGAGTGCAGTGAATTTCGAAACTATATAAGGAACAATGAA[C>A]TCATCTGCCCTAGAGAGAATGACCCAGTGCACGGTGCTGATGGAAAGTTCTATACAAACA-3'
Protein context (NP_006837.2, residues 918-938): EFRNYIRNNE[Leu928Ile]ICPRENDPVH